The following is an entry in ClinVar:

NM_004006.3(DMD):c.4842A>T (p.Gly1614=)

Gene: DMD (dystrophin; minus strand). Cytogenetic location: Xp21.1.
Variant type: single nucleotide variant.
Coding change: c.4842A>T on transcript NM_004006.3 (MANE Select); coding-DNA position 4842, A replaced by T.
Protein change: p.Gly1614=; no amino-acid change (glycine 1614 retained).
Molecular consequence: synonymous variant.
Genome position (GRCh38, 1-based): chrX:32,380,513, T>A on the plus strand (A>T on the coding strand, the complement: DMD is on the minus strand). VCF-style: chrX-32380513-T-A. GRCh37 (hg19) VCF-style: chrX-32398630-T-A.
Other names: c.4818A>T, p.Gly1606= (NM_000109.4); c.4830A>T, p.Gly1610= (NM_004009.3); c.4473A>T, p.Gly1491= (NM_004010.3); c.819A>T, p.Gly273= (NM_004011.4); c.810A>T, p.Gly270= (NM_004012.4).
Identifiers: ClinVar variation 2723940 (VCV002723940.3), dbSNP rs398123968, ClinGen allele CA222416.

ClinVar aggregate classification (germline): Uncertain significance (1 of 4 stars; one submission).

Conditions:
Duchenne muscular dystrophy (DMD). Also called: MUSCULAR DYSTROPHY, PSEUDOHYPERTROPHIC PROGRESSIVE, DUCHENNE TYPE; Duchenne Muscular Dystrophy (DMD). Identifiers: Orphanet 98896, MedGen C0013264, MONDO:0010679, OMIM 310200.

Submission:

Labcorp Genetics (formerly Invitae), Labcorp
Classification: Uncertain significance for Duchenne muscular dystrophy. Last evaluated: 2023-06-22. Review status: criteria provided, single submitter. Criteria: Invitae Variant Classification Sherloc (09022015). Collection method: clinical testing. Allele origin: germline.
Comment: This sequence change affects codon 1614 of the DMD mRNA. It is a 'silent' change, meaning that it does not change the encoded amino acid sequence of the DMD protein. This variant is not present in population databases (gnomAD no frequency). This variant has been observed in individual(s) with Duchenne muscular dystrophy (PMID: 16770791). Algorithms developed to predict the effect of sequence changes on RNA splicing suggest that this variant may disrupt the consensus splice site. In summary, the available evidence is currently insufficient to determine the role of this variant in disease. Therefore, it has been classified as a Variant of Uncertain Significance.

Literature cited by the submitters: PubMed 16770791.